The following is an entry in ClinVar:

NM_001999.4(FBN2):c.1724A>C (p.Asp575Ala)

Gene: FBN2 (fibrillin 2; minus strand). Cytogenetic location: 5q23.3.
Variant type: single nucleotide variant.
Coding change: c.1724A>C on transcript NM_001999.4 (MANE Select); coding-DNA position 1724, A replaced by C.
Protein change: p.Asp575Ala; replaces aspartic acid 575 with alanine.
Molecular consequence: missense variant.
Genome position (GRCh38, 1-based): chr5:128,377,877, T>G on the plus strand (A>C on the coding strand, the complement: FBN2 is on the minus strand). VCF-style: chr5-128377877-T-G. GRCh37 (hg19) VCF-style: chr5-127713570-T-G.
Other names: short protein forms D575A.
Identifiers: ClinVar variation 1778827 (VCV001778827.2), dbSNP rs2479387295, ClinGen allele CA360742679.
Genomic context (GRCh38, chr5:128,377,877, plus strand): 5'-TCTGTGTTCACGCATCGACCGTTTTTACAAAGAACCCCATTCTGGATGCACTCATCAATA[T>G]CTAGGAAGATTGAGAATGGCCAAACATCATTCTTTTACAATACTTATAGATAAACACAGT-3'
Protein context (NP_001990.2, residues 565-585): QRTPTKQACI[Asp575Ala]IDECIQNGVL

ClinVar aggregate classification (germline): Uncertain significance (1 of 4 stars; one submission).

Conditions:
Familial thoracic aortic aneurysm and aortic dissection (TAAD). Also called: Thoracic aortic aneurysms and dissections. Identifiers: Orphanet 91387, MedGen C4707243, MONDO:0019625.

Submission:

Ambry Genetics
Classification: Uncertain significance for Familial thoracic aortic aneurysm and aortic dissection. Last evaluated: 2018-02-20. Review status: criteria provided, single submitter. Criteria: Ambry Variant Classification Scheme 2023. Collection method: clinical testing. Allele origin: germline.
Comment: The p.D575A variant (also known as c.1724A>C), located in coding exon 13 of the FBN2 gene, results from an A to C substitution at nucleotide position 1724. The aspartic acid at codon 575 is replaced by alanine, an amino acid with dissimilar properties. This change occurs in the first base pair of coding exon 13. This amino acid position is highly conserved in available vertebrate species. In addition, the amino acid change is predicted to be probably damaging and deleterious by PolyPhen and SIFT in silico analyses, respectively. Since supporting evidence is limited at this time, the clinical significance of this alteration remains unclear.